The following is an entry in ClinVar:

ClinVar aggregate classification (germline): Benign. Review status: criteria provided, multiple submitters, no conflicts (2 of 4 stars). 4 submissions from 4 submitters: Benign (4). Last evaluated 2026-09-01.

Allele frequency attached by ClinVar (database versions not stated): 1000 Genomes Project 30x 0.00265; gnomAD 0.00751 and 0.00757; gnomAD exomes 0.00843 and 0.00996; TOPMed 0.00856; ExAC 0.00865; ESP Exome Variant Server 0.01053; 1000 Genomes Project 0.00260.
gnomAD v4.1: 15,717 of 1,614,090 alleles (0.97%); highest among the groups gnomAD compares: Non-Finnish European, 1.1%; 100 homozygotes.

Submissions (24):

CeGaT Center for Human Genetics Tuebingen
Classification: Benign. Last evaluated: 2026-09-01. Review status: criteria provided, single submitter. Criteria: CeGaT Center For Human Genetics Tuebingen Variant Classification Criteria Version 2. Collection method: clinical testing. Allele origin: germline. Affected: yes. Observed: 69 variant alleles.
Comment: DEAF1: BP4, BP7, BS1, BS2

Labcorp Genetics (formerly Invitae), Labcorp
Classification: Benign. Last evaluated: 2026-02-02. Review status: criteria provided, single submitter. Criteria: Invitae Variant Classification Sherloc (09022015). Collection method: clinical testing. Allele origin: germline.

Athena Diagnostics
Classification: Benign. Last evaluated: 2017-10-25. Review status: criteria provided, single submitter. Criteria: Athena Diagnostics Criteria. Collection method: clinical testing. Allele origin: germline.

Breakthrough Genomics
Classification: Benign. Review status: criteria provided, single submitter. Criteria: ACMG Guidelines, 2015. Collection method: not provided. Allele origin: germline. Inheritance: Autosomal recessive inheritance. Affected: yes.

Dr. Peter K. Rogan Lab, Western University
No classification provided (evidence only). Condition: Lung cancer. Review status: no classification provided. Collection method: in vitro. Allele origin: not applicable. Functional consequence: retained intron. Not counted in ClinVar's aggregate classification.

Dr. Peter K. Rogan Lab, Western University
No classification provided (evidence only). Condition: Melanoma. Review status: no classification provided. Collection method: in vitro. Allele origin: not applicable. Functional consequence: skipped exon. Not counted in ClinVar's aggregate classification.

Dr. Peter K. Rogan Lab, Western University
No classification provided (evidence only). Condition: Melanoma. Review status: no classification provided. Collection method: in vitro. Allele origin: not applicable. Functional consequence: skipped exon. Not counted in ClinVar's aggregate classification.

Dr. Peter K. Rogan Lab, Western University
No classification provided (evidence only). Condition: Melanoma. Review status: no classification provided. Collection method: in vitro. Allele origin: not applicable. Functional consequence: retained intron. Not counted in ClinVar's aggregate classification.

Dr. Peter K. Rogan Lab, Western University
No classification provided (evidence only). Condition: Acute myeloid leukemia. Review status: no classification provided. Collection method: in vitro. Allele origin: not applicable. Functional consequence: skipped exon. Not counted in ClinVar's aggregate classification.

Dr. Peter K. Rogan Lab, Western University
No classification provided (evidence only). Condition: Colon adenocarcinoma. Review status: no classification provided. Collection method: in vitro. Allele origin: not applicable. Functional consequence: skipped exon. Not counted in ClinVar's aggregate classification.

Dr. Peter K. Rogan Lab, Western University
No classification provided (evidence only). Condition: Colon adenocarcinoma. Review status: no classification provided. Collection method: in vitro. Allele origin: not applicable. Functional consequence: retained intron. Not counted in ClinVar's aggregate classification.

Dr. Peter K. Rogan Lab, Western University
No classification provided (evidence only). Condition: Thyroid cancer, nonmedullary, 1. Review status: no classification provided. Collection method: in vitro. Allele origin: not applicable. Functional consequence: retained intron. Not counted in ClinVar's aggregate classification.

Dr. Peter K. Rogan Lab, Western University
No classification provided (evidence only). Condition: Sarcoma. Review status: no classification provided. Collection method: in vitro. Allele origin: not applicable. Functional consequence: retained intron. Not counted in ClinVar's aggregate classification.

Dr. Peter K. Rogan Lab, Western University
No classification provided (evidence only). Condition: Hepatocellular carcinoma. Review status: no classification provided. Collection method: in vitro. Allele origin: not applicable. Functional consequence: retained intron. Not counted in ClinVar's aggregate classification.

Dr. Peter K. Rogan Lab, Western University
No classification provided (evidence only). Condition: Nonpapillary renal cell carcinoma. Review status: no classification provided. Collection method: in vitro. Allele origin: not applicable. Functional consequence: retained intron. Not counted in ClinVar's aggregate classification.

Dr. Peter K. Rogan Lab, Western University
No classification provided (evidence only). Condition: Ovarian serous cystadenocarcinoma. Review status: no classification provided. Collection method: in vitro. Allele origin: not applicable. Functional consequence: retained intron. Not counted in ClinVar's aggregate classification.

Dr. Peter K. Rogan Lab, Western University
No classification provided (evidence only). Condition: Ovarian serous cystadenocarcinoma. Review status: no classification provided. Collection method: in vitro. Allele origin: not applicable. Functional consequence: retained intron. Not counted in ClinVar's aggregate classification.

Dr. Peter K. Rogan Lab, Western University
No classification provided (evidence only). Condition: Adrenocortical carcinoma, hereditary. Review status: no classification provided. Collection method: in vitro. Allele origin: not applicable. Functional consequence: skipped exon. Not counted in ClinVar's aggregate classification.

Dr. Peter K. Rogan Lab, Western University
No classification provided (evidence only). Condition: Adrenocortical carcinoma, hereditary. Review status: no classification provided. Collection method: in vitro. Allele origin: not applicable. Functional consequence: skipped exon. Not counted in ClinVar's aggregate classification.

Dr. Peter K. Rogan Lab, Western University
No classification provided (evidence only). Condition: Adrenocortical carcinoma, hereditary. Review status: no classification provided. Collection method: in vitro. Allele origin: not applicable. Functional consequence: skipped exon. Not counted in ClinVar's aggregate classification.

Dr. Peter K. Rogan Lab, Western University
No classification provided (evidence only). Condition: Adrenocortical carcinoma, hereditary. Review status: no classification provided. Collection method: in vitro. Allele origin: not applicable. Functional consequence: skipped exon, retained intron. Not counted in ClinVar's aggregate classification.

Dr. Peter K. Rogan Lab, Western University
No classification provided (evidence only). Condition: Uterine carcinosarcoma. Review status: no classification provided. Collection method: in vitro. Allele origin: not applicable. Functional consequence: skipped exon. Not counted in ClinVar's aggregate classification.

Dr. Peter K. Rogan Lab, Western University
No classification provided (evidence only). Condition: Uveal melanoma. Review status: no classification provided. Collection method: in vitro. Allele origin: not applicable. Functional consequence: retained intron. Not counted in ClinVar's aggregate classification.

Dr. Peter K. Rogan Lab, Western University
No classification provided (evidence only). Condition: Malignant tumor of esophagus. Review status: no classification provided. Collection method: in vitro. Allele origin: not applicable. Functional consequence: retained intron. Not counted in ClinVar's aggregate classification.

NM_021008.4(DEAF1):c.882C>G (p.Val294=)

Gene: DEAF1 (DEAF1 transcription factor; minus strand). Cytogenetic location: 11p15.5.
Variant type: single nucleotide variant.
Coding change: c.882C>G on transcript NM_021008.4 (MANE Select); coding-DNA position 882, C replaced by G.
Protein change: p.Val294=; no amino-acid change (valine 294 retained).
Molecular consequence: synonymous variant. On other transcripts: intron variant (1).
Genome position (GRCh38, 1-based): chr11:681,078, G>C on the plus strand (C>G on the coding strand, the complement: DEAF1 is on the minus strand). VCF-style: chr11-681078-G-C. GRCh37 (hg19) VCF-style: chr11-681078-G-C.
Other names: c.156C>G, p.Val52= (NM_001367390.1, NM_001440885.1, NM_001440886.1 and 1 more transcripts); c.882C>G, p.Val294= (NM_001440883.1, NM_001440884.1); c.731-1262C>G (NM_001293634.2).
Identifiers: ClinVar variation 585777 (VCV000585777.43), dbSNP rs35887544, ClinGen allele CA5786396.